The following is an entry in ClinVar:

NM_203447.4(DOCK8):c.3701-17C>T

Gene: DOCK8 (dedicator of cytokinesis 8; plus strand). Cytogenetic location: 9p24.3.
Variant type: single nucleotide variant.
Coding change: c.3701-17C>T on transcript NM_203447.4 (MANE Select); 17 bases into the intron before coding-DNA position 3701, C replaced by T.
Molecular consequence: intron variant.
Genome position (GRCh38, 1-based): chr9:418,051, C>T. VCF-style: chr9-418051-C-T. GRCh37 (hg19) VCF-style: chr9-418051-C-T.
Other names: c.3497-17C>T (NM_001193536.2); c.3401-17C>T (NM_001190458.2).
Identifiers: ClinVar variation 512075 (VCV000512075.13), dbSNP rs376111035, ClinGen allele CA4958795.
Genomic context (GRCh38, chr9:418,051, plus strand): 5'-ATCAGTCTCTTATTGGGTAGGGGACATGGGGAAATGTCATGTTTGACTTGACATCACAAA[C>T]GATGTTTTCATTGCAGTTGCAGATACTCGCAGATACCGCACCAGTGGCTCGGATGAAGAA-3'

ClinVar aggregate classification (germline): Benign/Likely benign. Review status: criteria provided, multiple submitters, no conflicts (2 of 4 stars). 6 submissions from 6 submitters: Benign (1); Likely benign (3). 2 of the submissions do not count toward it. Last evaluated 2026-02-01.

Conditions:
Combined immunodeficiency due to DOCK8 deficiency (HIES2). Also called: HIES autosomal recessive; HYPER-IgE SYNDROME 2, AUTOSOMAL RECESSIVE, WITH RECURRENT INFECTIONS; Hyper-IgE recurrent infection syndrome, autosomal recessive; HYPER-IgE RECURRENT INFECTION SYNDROME 2, AUTOSOMAL RECESSIVE; DOCK8 Deficiency. Identifiers: Orphanet 217390, MedGen C4722305, MONDO:0009478, OMIM 243700.

Allele frequency attached by ClinVar (database versions not stated): ExAC 0.00124; 1000 Genomes Project 0.00280; 1000 Genomes Project 30x 0.00328; gnomAD 0.00376 and 0.00409; TOPMed 0.00399; ESP Exome Variant Server 0.00431.
gnomAD v4.1: 1,203 of 1,614,136 alleles (0.075%); highest among the groups gnomAD compares: African/African-American, 1.2%; 7 homozygotes.

Submissions (6):

Labcorp Genetics (formerly Invitae), Labcorp
Classification: Benign for Combined immunodeficiency due to DOCK8 deficiency. Last evaluated: 2026-02-01. Review status: criteria provided, single submitter. Criteria: Invitae Variant Classification Sherloc (09022015). Collection method: clinical testing. Allele origin: germline.

Women's Health and Genetics/Laboratory Corporation of America, LabCorp
Classification: Likely benign. Last evaluated: 2026-01-22. Review status: criteria provided, single submitter. Criteria: LabCorp Variant Classification Summary - May 2015. Collection method: clinical testing. Allele origin: germline.

Blueprint Genetics
Classification: Likely benign. Last evaluated: 2024-11-15. Review status: criteria provided, single submitter. Criteria: ACMG Guidelines, 2015. Collection method: clinical testing. Allele origin: germline.

GeneDx
Classification: Likely benign. Last evaluated: 2017-01-19. Review status: criteria provided, single submitter. Criteria: GeneDx Variant Classification (06012015). Collection method: clinical testing. Allele origin: germline. Affected: yes.
Comment: This variant is considered likely benign or benign based on one or more of the following criteria: it is a conservative change, it occurs at a poorly conserved position in the protein, it is predicted to be benign by multiple in silico algorithms, and/or has population frequency not consistent with disease.

Genome Diagnostics Laboratory, Amsterdam University Medical Center
Classification: Benign. Review status: no assertion criteria provided. Collection method: clinical testing. Allele origin: germline. Affected: yes. Study: VKGL Data-share Consensus. Not counted in ClinVar's aggregate classification.

Genome Diagnostics Laboratory, University Medical Center Utrecht
Classification: Likely benign. Review status: no assertion criteria provided. Collection method: clinical testing. Allele origin: germline. Affected: yes. Study: VKGL Data-share Consensus. Not counted in ClinVar's aggregate classification.